The following is an entry in ClinVar:

ClinVar aggregate classification (germline): Pathogenic/Likely pathogenic. Review status: criteria provided, multiple submitters, no conflicts (2 of 4 stars). 9 submissions from 9 submitters: Pathogenic (8); Likely pathogenic (1). Last evaluated 2026-01-16.

Conditions:
EYS-related disorder. Also called: EYS-related condition.
Retinitis pigmentosa (RP). Identifiers: Orphanet 791, MedGen C0035334, MeSH D012174, MONDO:0019200, OMIM 268000. Inheritance: Autosomal dominant, autosomal recessive and X linked inheritance.
Retinitis pigmentosa 25 (RP25). Identifiers: Orphanet 791, MedGen C1864446, MONDO:0011272, OMIM 602772.

Allele frequency attached by ClinVar (database versions not stated): gnomAD exomes 0.00002 and 0.00014; ExAC 0.00005; gnomAD 0.00005; TOPMed 0.00005; 1000 Genomes Project 0.00020; 1000 Genomes Project 30x 0.00031.
gnomAD v4.1: 36 of 1,551,200 alleles (0.0023%); highest among the groups gnomAD compares: East Asian, 0.078%; no homozygotes.

Submissions (9):

Labcorp Genetics (formerly Invitae), Labcorp
Classification: Pathogenic. Last evaluated: 2026-01-16. Review status: criteria provided, single submitter. Criteria: Invitae Variant Classification Sherloc (09022015). Collection method: clinical testing. Allele origin: germline.
Comment: This sequence change creates a premature translational stop signal (p.Glu2703*) in the EYS gene. It is expected to result in an absent or disrupted protein product. Loss-of-function variants in EYS are known to be pathogenic (PMID: 18836446, 20333770). This variant is present in population databases (rs184722374, gnomAD 0.2%). This premature translational stop signal has been observed in individual(s) with EYS-related conditions (PMID: 24618324, 25356976). ClinVar contains an entry for this variant (Variation ID: 853127). Algorithms developed to predict the effect of sequence changes on RNA splicing suggest that this variant may disrupt the consensus splice site. For these reasons, this variant has been classified as Pathogenic.

3billion
Classification: Pathogenic for Retinitis pigmentosa 25. Last evaluated: 2025-11-14. Review status: criteria provided, single submitter. Criteria: ACMG Guidelines, 2015. Collection method: clinical testing. Allele origin: germline. Affected: yes.
Comment: The variant is observed at an extremely low frequency in the gnomAD v4.1.0 dataset (total allele frequency: 0.002%). Predicted Consequence/Location: Stop-gained (nonsense): predicted to result in a loss or disruption of normal protein function through nonsense-mediated decay (NMD) or protein truncation. Multiple pathogenic variants are reported downstream of the variant. The variant has been reported at least twice as pathogenic with clinical assertions and evidence for the classification (ClinVar ID: VCV000853127 /PMID: 24618324 /3billion dataset). Therefore, this variant is classified as Pathogenic according to the recommendation of ACMG/AMP guideline.

Natera, Inc.
Classification: Pathogenic for Retinitis pigmentosa type 25. Last evaluated: 2025-07-18. Review status: criteria provided, single submitter. Criteria: Natera Variant Classification Schema (03/2026). Collection method: clinical testing. Allele origin: germline.
Comment: The c.8107G>T variant in EYS is a nonsense variant predicted to introduce a stop codon at amino acid 2703. This variant is expected to result in nonsense mediated decay, truncation, or a dysfunctional protein product. This variant is rare in the general population with a frequency below the threshold expected for the associated phenotype(s). This variant has been observed in one or more individuals affected with the associated recessive disease, as either homozygous or compound heterozygous with a second variant (PMID: 35816039). Given the available evidence, this variant is classified as Pathogenic.

SingHealth Duke-NUS Institute of Precision Medicine
Classification: Likely pathogenic for Retinitis pigmentosa 25. Last evaluated: 2025-02-05. Review status: criteria provided, single submitter. Criteria: PRISM ACMG Classification Criteria. Collection method: clinical testing. Allele origin: germline. Affected: yes.
Comment: Variant is predicted to cause nonsense-mediated decay in a gene where LOF is a known cause of pathogenicity (PVS1). Homozygous allele count in gnomAD exomes and genomes are less than 0 (PM2)

Blueprint Genetics
Classification: Pathogenic for EYS-related disorders. Last evaluated: 2024-11-14. Review status: criteria provided, single submitter. Criteria: ACMG Guidelines, 2015. Collection method: clinical testing. Allele origin: germline. Affected: yes. Observed: 5 variant alleles.

Fulgent Genetics
Classification: Pathogenic for Retinitis pigmentosa 25. Last evaluated: 2024-06-07. Review status: criteria provided, single submitter. Criteria: ACMG Guidelines, 2015. Collection method: clinical testing. Allele origin: germline.

Baylor Genetics
Classification: Pathogenic for Retinitis pigmentosa 25. Last evaluated: 2024-03-27. Review status: criteria provided, single submitter. Criteria: ACMG Guidelines, 2015. Collection method: clinical testing. Allele origin: unknown.

Revvity Omics, Revvity
Classification: Pathogenic for Retinitis pigmentosa 25. Last evaluated: 2022-09-27. Review status: criteria provided, single submitter. Criteria: ACMG Guidelines, 2015. Collection method: clinical testing. Allele origin: germline.

Women's Health and Genetics/Laboratory Corporation of America, LabCorp
Classification: Pathogenic for Retinitis pigmentosa. Last evaluated: 2020-09-28. Review status: criteria provided, single submitter. Criteria: LabCorp Variant Classification Summary - May 2015. Collection method: clinical testing. Allele origin: germline.
Comment: Variant summary: EYS c.8107G>T (p.Glu2703X) results in a premature termination codon, predicted to cause a truncation of the encoded protein or absence of the protein due to nonsense mediated decay, which are commonly known mechanisms for disease. The variant allele was found at a frequency of 0.00014 in 153390 control chromosomes. This frequency is not significantly higher than expected for a pathogenic variant in EYS causing Retinitis Pigmentosa (0.00014 vs 0.0087), allowing no conclusion about variant significance. c.8107G>T has been reported in the literature in individuals affected with Retinitis Pigmentosa (examples- Jinda_2014, Huang_2015, Gao_2019, Chen_2019). These data indicate that the variant is likely to be associated with disease. To our knowledge, no experimental evidence demonstrating an impact on protein function has been reported. Two other clinical diagnostic laboratories have submitted clinical-significance assessments for this variant to ClinVar after 2014 without evidence for independent evaluation, both citing the variant as pathogenic. Based on the evidence outlined above, the variant was classified as pathogenic.

Literature cited by the submitters: PubMed 18836446 (cited by Labcorp Genetics (formerly Invitae), Labcorp); PubMed 20333770 (cited by Labcorp Genetics (formerly Invitae), Labcorp); PubMed 24618324 (cited by 3 submitters); PubMed 25356976 (cited by Labcorp Genetics (formerly Invitae), Labcorp and Women's Health and Genetics/Laboratory Corporation of America, LabCorp); PubMed 35816039 (cited by Natera, Inc.); PubMed 31872526 (cited by Women's Health and Genetics/Laboratory Corporation of America, LabCorp); PubMed 31054281 (cited by Women's Health and Genetics/Laboratory Corporation of America, LabCorp).

NM_001142800.2(EYS):c.8107G>T (p.Glu2703Ter)

Gene: EYS (EGF-like photoreceptor maintenance factor; minus strand). Cytogenetic location: 6q12.
Variant type: single nucleotide variant.
Coding change: c.8107G>T on transcript NM_001142800.2 (MANE Select); coding-DNA position 8107, G replaced by T.
Protein change: p.Glu2703Ter; replaces glutamic acid 2703 with a stop codon.
Molecular consequence: nonsense.
Genome position (GRCh38, 1-based): chr6:63,726,645, C>A on the plus strand (G>T on the coding strand, the complement: EYS is on the minus strand). VCF-style: chr6-63726645-C-A. GRCh37 (hg19) VCF-style: chr6-64436538-C-A.
Other names: c.8170G>T, p.Glu2724Ter (NM_001292009.2); short protein forms E2703*, E2724*.
Identifiers: ClinVar variation 853127 (VCV000853127.22), dbSNP rs184722374, ClinGen allele CA3876735.